The following is an entry in ClinVar:

NM_001013838.3(CARMIL2):c.2609C>T (p.Thr870Met)

Gene: CARMIL2 (capping protein regulator and myosin 1 linker 2; plus strand). Cytogenetic location: 16q22.1.
Variant type: single nucleotide variant.
Coding change: c.2609C>T on transcript NM_001013838.3 (MANE Select); coding-DNA position 2609, C replaced by T.
Protein change: p.Thr870Met; replaces threonine 870 with methionine.
Molecular consequence: missense variant.
Genome position (GRCh38, 1-based): chr16:67,651,941, C>T. VCF-style: chr16-67651941-C-T. GRCh37 (hg19) VCF-style: chr16-67685844-C-T.
Other names: c.2501C>T, p.Thr834Met (NM_001317026.3); short protein forms T834M, T870M.
Identifiers: ClinVar variation 1437779 (VCV001437779.5), dbSNP rs750414069, ClinGen allele CA8113840.

ClinVar aggregate classification (germline): Uncertain significance (1 of 4 stars; one submission).

Allele frequency attached by ClinVar (database versions not stated): gnomAD exomes below 0.00001 and 0.00001; gnomAD 0.00001; ExAC 0.00002; TOPMed 0.00002.
gnomAD v4.1: 9 of 1,613,484 alleles (0.00056%); highest among the groups gnomAD compares: African/African-American, 0.0053%; no homozygotes.

Submission:

Labcorp Genetics (formerly Invitae), Labcorp
Classification: Uncertain significance. Last evaluated: 2021-09-01. Review status: criteria provided, single submitter. Criteria: Invitae Variant Classification Sherloc (09022015). Collection method: clinical testing. Allele origin: germline.
Comment: This sequence change replaces threonine with methionine at codon 870 of the CARMIL2 protein (p.Thr870Met). The threonine residue is moderately conserved and there is a moderate physicochemical difference between threonine and methionine. This variant is present in population databases (rs750414069, ExAC 0.02%). This variant has not been reported in the literature in individuals affected with CARMIL2-related conditions. Algorithms developed to predict the effect of missense changes on protein structure and function are either unavailable or do not agree on the potential impact of this missense change (SIFT: "Deleterious"; PolyPhen-2: "Possibly Damaging"; Align-GVGD: "Class C0"). In summary, the available evidence is currently insufficient to determine the role of this variant in disease. Therefore, it has been classified as a Variant of Uncertain Significance.